The following is an entry in ClinVar:

NM_000038.6(APC):c.8182G>C (p.Val2728Leu)

Gene: APC (APC regulator of Wnt signaling pathway; plus strand). Cytogenetic location: 5q22.2.
Variant type: single nucleotide variant.
Coding change: c.8182G>C on transcript NM_000038.6 (MANE Select); coding-DNA position 8182, G replaced by C.
Protein change: p.Val2728Leu; replaces valine 2728 with leucine.
Molecular consequence: missense variant. On other transcripts: non-coding transcript variant (2).
Genome position (GRCh38, 1-based): chr5:112,843,776, G>C. VCF-style: chr5-112843776-G-C. GRCh37 (hg19) VCF-style: chr5-112179473-G-C.
Other names: c.8182G>C, p.Val2728Leu (NM_001127510.3, NM_001354895.2, NM_001407450.1); c.8128G>C, p.Val2710Leu (NM_001127511.3); c.8236G>C, p.Val2746Leu (NM_001354896.2, NM_001407447.1, NM_001407448.1 and 1 more transcripts); c.8212G>C, p.Val2738Leu (NM_001354897.2); c.8107G>C, p.Val2703Leu (NM_001354898.2); c.8098G>C, p.Val2700Leu (NM_001354899.2); c.8059G>C, p.Val2687Leu (NM_001354900.2); c.8005G>C, p.Val2669Leu (NM_001354901.2, NM_001407453.1); and 11 more; short protein forms V2637L, V2669L, V2687L, V2700L, V2756L, V2344L, V2627L, V2728L.
Identifiers: ClinVar variation 4579690 (VCV004579690.1).

ClinVar aggregate classification (germline): Uncertain significance (1 of 4 stars; one submission).

Conditions:
Hereditary cancer-predisposing syndrome. Also called: Neoplastic Syndromes, Hereditary; Tumor predisposition; Hereditary Cancer Syndrome; Hereditary neoplastic syndrome. Identifiers: Orphanet 140162, MedGen C0027672, MeSH D009386, MONDO:0015356.

Submission:

Ambry Genetics
Classification: Uncertain significance for Hereditary cancer-predisposing syndrome. Last evaluated: 2025-09-29. Review status: criteria provided, single submitter. Criteria: Ambry Variant Classification Scheme 2023. Collection method: clinical testing. Allele origin: germline.
Comment: The p.V2728L variant (also known as c.8182G>C), located in coding exon 15 of the APC gene, results from a G to C substitution at nucleotide position 8182. The valine at codon 2728 is replaced by leucine, an amino acid with highly similar properties. This amino acid position is conserved. In addition, in silico predictors for this gene do not accurately predict pathogenicity. Based on the available evidence, the clinical significance of this variant remains unclear.